The following is an entry in ClinVar:

NM_138393.4(REEP6):c.159_160delinsTT (p.Ala54Ser)

Gene: REEP6 (receptor accessory protein 6; plus strand). Cytogenetic location: 19p13.3.
Variant type: Indel.
Coding change: c.159_160delinsTT on transcript NM_138393.4 (MANE Select); coding-DNA positions 159 to 160, AG replaced by TT.
Protein change: p.Ala54Ser; replaces alanine 54 with serine.
Molecular consequence: missense variant.
Genome position (GRCh38, 1-based): chr19:1,495,337-1,495,338, AG replaced by TT. VCF-style: chr19-1495337-AG-TT. GRCh37 (hg19) VCF-style: chr19-1495336-AG-TT.
Other names: c.159_160delinsTT, p.Ala54Ser (NM_001329556.3); short protein forms A54S.
Identifiers: ClinVar variation 1422088 (VCV001422088.6), dbSNP rs2145477517, ClinGen allele CA2573155795.

ClinVar aggregate classification (germline): Uncertain significance (1 of 4 stars; one submission).

Submission:

Labcorp Genetics (formerly Invitae), Labcorp
Classification: Uncertain significance. Last evaluated: 2024-02-24. Review status: criteria provided, single submitter. Criteria: Invitae Variant Classification Sherloc (09022015). Collection method: clinical testing. Allele origin: germline.
Comment: This sequence change replaces alanine, which is neutral and non-polar, with serine, which is neutral and polar, at codon 54 of the REEP6 protein (p.Ala54Ser). Information on the frequency of this variant in the gnomAD database is not available, as this variant may be reported differently in the database. This variant has not been reported in the literature in individuals affected with REEP6-related conditions. ClinVar contains an entry for this variant (Variation ID: 1422088). Experimental studies and prediction algorithms are not available or were not evaluated, and the functional significance of this variant is currently unknown. In summary, the available evidence is currently insufficient to determine the role of this variant in disease. Therefore, it has been classified as a Variant of Uncertain Significance.